The following is an entry in ClinVar:

NM_032119.4(ADGRV1):c.4878C>T (p.Asp1626=)

Gene: ADGRV1 (adhesion G protein-coupled receptor V1; plus strand). Cytogenetic location: 5q14.3.
Variant type: single nucleotide variant.
Coding change: c.4878C>T on transcript NM_032119.4 (MANE Select); coding-DNA position 4878, C replaced by T.
Protein change: p.Asp1626=; no amino-acid change (aspartic acid 1626 retained).
Molecular consequence: synonymous variant. On other transcripts: non-coding transcript variant (1).
Genome position (GRCh38, 1-based): chr5:90,672,671, C>T. VCF-style: chr5-90672671-C-T. GRCh37 (hg19) VCF-style: chr5-89968488-C-T.
Identifiers: ClinVar variation 905699 (VCV000905699.9), dbSNP rs755906427, ClinGen allele CA3339428.

ClinVar aggregate classification (germline): Conflicting classifications of pathogenicity. Review status: criteria provided, conflicting classifications (1 of 4 stars). 3 submissions from 3 submitters: Uncertain significance (1); Likely benign (2). Last evaluated 2024-12-17.

Conditions:
Usher syndrome type 2C. Also called: USHER SYNDROME, TYPE IIC; Usher syndrome, type 2B. Identifiers: Orphanet 231178, Orphanet 886, MedGen C2931213, MONDO:0011558, OMIM 605472.
ADGRV1-related disorder. Also called: ADGRV1-related disorders; ADGRV1-related condition.

Allele frequency attached by ClinVar (database versions not stated): gnomAD exomes 0.00001; ExAC 0.00002; TOPMed 0.00002; gnomAD 0.00003.
gnomAD v4.1: 25 of 1,613,402 alleles (0.0015%); highest among the groups gnomAD compares: Non-Finnish European, 0.002%; no homozygotes.

Submissions (3):

PreventionGenetics, part of Exact Sciences
Classification: Likely benign for ADGRV1-related condition. Last evaluated: 2024-12-17. Review status: criteria provided, single submitter. Criteria: ACMG Guidelines, 2015. Collection method: clinical testing. Allele origin: germline.
Comment: This variant is classified as likely benign based on ACMG/AMP sequence variant interpretation guidelines (Richards et al. 2015 PMID: 25741868, with internal and published modifications).

Labcorp Genetics (formerly Invitae), Labcorp
Classification: Likely benign. Last evaluated: 2024-02-22. Review status: criteria provided, single submitter. Criteria: Invitae Variant Classification Sherloc (09022015). Collection method: clinical testing. Allele origin: germline.

Illumina Laboratory Services, Illumina
Classification: Uncertain significance for Usher syndrome type 2C. Last evaluated: 2018-01-13. Review status: criteria provided, single submitter. Criteria: ICSL Variant Classification Criteria 13 December 2019. Collection method: clinical testing. Allele origin: germline.